The following is an entry in ClinVar:

NM_003322.6(TULP1):c.1513C>T (p.Gln505Ter)

Gene: TULP1 (TUB like protein 1; minus strand). Cytogenetic location: 6p21.31.
Variant type: single nucleotide variant.
Coding change: c.1513C>T on transcript NM_003322.6 (MANE Select); coding-DNA position 1513, C replaced by T.
Protein change: p.Gln505Ter; replaces glutamine 505 with a stop codon.
Molecular consequence: nonsense.
Genome position (GRCh38, 1-based): chr6:35,498,443, G>A on the plus strand (C>T on the coding strand, the complement: TULP1 is on the minus strand). VCF-style: chr6-35498443-G-A. GRCh37 (hg19) VCF-style: chr6-35466220-G-A.
Other names: c.1354C>T, p.Gln452Ter (NM_001289395.2); short protein forms Q452*, Q505*.
Identifiers: ClinVar variation 1472762 (VCV001472762.6), dbSNP rs2150921635, ClinGen allele CA363778365.
Genomic context (GRCh38, chr6:35,498,443, plus strand): 5'-GGGCGCACAGCGGGTACCGGTAGTCTAGGGTGAAGGCGTCCTCCGCCACGCGGCCGAACT[G>A]CAGCACGATATAGTCGGCTATGGACACAAGACGGGGTGGGGGCGGCCCGAGACCTCCTTG-3'

ClinVar aggregate classification (germline): Pathogenic (1 of 4 stars; one submission).

Submission:

Labcorp Genetics (formerly Invitae), Labcorp
Classification: Pathogenic. Last evaluated: 2025-11-06. Review status: criteria provided, single submitter. Criteria: Invitae Variant Classification Sherloc (09022015). Collection method: clinical testing. Allele origin: germline.
Comment: This sequence change creates a premature translational stop signal (p.Gln505*) in the TULP1 gene. While this is not anticipated to result in nonsense mediated decay, it is expected to disrupt the last 38 amino acid(s) of the TULP1 protein. This variant is not present in population databases (gnomAD no frequency). This variant has not been reported in the literature in individuals affected with TULP1-related conditions. ClinVar contains an entry for this variant (Variation ID: 1472762). This variant disrupts a region of the TULP1 protein in which other variant(s) (p.Pro521Ser) have been determined to be pathogenic (PMID: 27440997, 33090715). This suggests that this is a clinically significant region of the protein, and that variants that disrupt it are likely to be disease-causing. For these reasons, this variant has been classified as Pathogenic.

Literature cited by the submitters: PubMed 27440997; PubMed 33090715.